The following is an entry in ClinVar:

ClinVar aggregate classification (germline): Uncertain significance. Review status: criteria provided, multiple submitters, no conflicts (2 of 4 stars). 4 submissions from 2 submitters: Uncertain significance (4). Last evaluated 2023-11-30.

Conditions:
Malignant hyperthermia, susceptibility to, 1 (MHS1). Also called: Anesthesia related hyperthermia; Malignant hyperpyrexia; Fulminating hyperpyrexia; Pharmacogenic myopathy; RYR1-Related Malignant Hyperthermia Susceptibility; Malignant hyperthermia suceptibility 1. Identifiers: Orphanet 423, MedGen C2930980, MONDO:0007783, OMIM 145600.
Central core myopathy (CMYO1A). Also called: CONGENITAL MYOPATHY 1A, AUTOSOMAL DOMINANT, WITH SUSCEPTIBILITY TO MALIGNANT HYPERTHERMIA; Central core disease; Myopathy, central fibrillar. Identifiers: Orphanet 597, MedGen C5830701, MONDO:0007294, OMIM 117000.
Congenital multicore myopathy with external ophthalmoplegia (CMYO1B). Also called: MULTICORE MYOPATHY; Minicore myopathy with external ophthalmoplegia; Congenital myopathy 1B, autosomal recessive; Minicore myopathy; MULTIMINICORE DISEASE WITH EXTERNAL OPHTHALMOPLEGIA. Identifiers: Orphanet 598, Orphanet 98905, MedGen C1850674, MONDO:0009712, OMIM 255320, HP:0003789.

gnomAD v4.1: 11 of 1,609,662 alleles (0.00068%); highest among the groups gnomAD compares: South Asian, 0.0099%; no homozygotes.

Submissions (4):

All of Us Research Program, National Institutes of Health
Classification: Uncertain significance for Malignant hyperthermia, susceptibility to, 1. Last evaluated: 2023-11-30. Review status: criteria provided, single submitter. Criteria: ACMG Guidelines, 2015. Collection method: clinical testing. Allele origin: germline. Inheritance: Autosomal dominant inheritance. Observed: 2 variant alleles, 2 heterozygotes.
Comment: This study involves interpretation of variants in research participants for the purpose of population health screening. Participant phenotype was not available at the time of variant classification. Additional details can be found in publication PMID: 35346344, PMCID: PMC8962531

Illumina Laboratory Services, Illumina
Classification: Uncertain significance for Congenital multicore myopathy with external ophthalmoplegia. Last evaluated: 2017-04-28. Review status: criteria provided, single submitter. Criteria: ICSL Variant Classification Criteria 13 December 2019. Collection method: clinical testing. Allele origin: germline.

Illumina Laboratory Services, Illumina
Classification: Uncertain significance for Central core myopathy. Last evaluated: 2017-04-28. Review status: criteria provided, single submitter. Criteria: ICSL Variant Classification Criteria 13 December 2019. Collection method: clinical testing. Allele origin: germline.

Illumina Laboratory Services, Illumina
Classification: Uncertain significance for Malignant hyperthermia, susceptibility to, 1. Last evaluated: 2017-04-28. Review status: criteria provided, single submitter. Criteria: ICSL Variant Classification Criteria 13 December 2019. Collection method: clinical testing. Allele origin: germline.
Comment: This variant was observed as part of a predisposition screen in an ostensibly healthy population. A literature search was performed for the gene, cDNA change, and amino acid change (where applicable). Publications were found based on this search. However, the evidence from the literature, in combination with allele frequency data from public databases where available, was not sufficient to rule this variant in or out of causing disease. Therefore, this variant is classified as a variant of unknown significance.

Literature cited by the submitters: PubMed 16917943 (cited by Illumina Laboratory Services, Illumina).

NM_000540.3(RYR1):c.7787C>G (p.Thr2596Ser)

Gene: RYR1 (ryanodine receptor 1; plus strand). Cytogenetic location: 19q13.2.
Variant type: single nucleotide variant.
Coding change: c.7787C>G on transcript NM_000540.3 (MANE Select); coding-DNA position 7787, C replaced by G.
Protein change: p.Thr2596Ser; replaces threonine 2596 with serine.
Molecular consequence: missense variant.
Genome position (GRCh38, 1-based): chr19:38,502,679, C>G. VCF-style: chr19-38502679-C-G. GRCh37 (hg19) VCF-style: chr19-38993319-C-G.
Other names: c.7787C>G, p.Thr2596Ser (NM_001042723.2); short protein forms T2596S.
Identifiers: ClinVar variation 890267 (VCV000890267.5), dbSNP rs193922824, ClinGen allele CA070243.